The following is an entry in ClinVar:

NM_000129.4(F13A1):c.2006A>G (p.Asp669Gly)

Gene: F13A1 (coagulation factor XIII A chain; minus strand). Cytogenetic location: 6p25.1.
Variant type: single nucleotide variant.
Coding change: c.2006A>G on transcript NM_000129.4 (MANE Select); coding-DNA position 2006, A replaced by G.
Protein change: p.Asp669Gly; replaces aspartic acid 669 with glycine.
Molecular consequence: missense variant.
Genome position (GRCh38, 1-based): chr6:6,151,852, T>C on the plus strand (A>G on the coding strand, the complement: F13A1 is on the minus strand). VCF-style: chr6-6151852-T-C. GRCh37 (hg19) VCF-style: chr6-6152085-T-C.
Other names: p.Asp669Gly; short protein forms D669G.
Identifiers: ClinVar variation 3379629 (VCV003379629.1).

ClinVar aggregate classification (germline): Uncertain significance (1 of 4 stars; one submission).

gnomAD v4.1: 89 of 1,613,986 alleles (0.0055%); highest among the groups gnomAD compares: Middle Eastern, 0.016%; no homozygotes.

Submission:

Mayo Clinic Laboratories, Mayo Clinic
Classification: Uncertain significance. Last evaluated: 2024-02-19. Review status: criteria provided, single submitter. Criteria: ACMG Guidelines, 2015. Collection method: clinical testing. Allele origin: germline. Observed: 1 variant allele.
Comment: PM2_moderate, PS3_moderate

Literature cited by the submitters: PubMed 20179087; PubMed 27363989; PubMed 34426522.